The following is an entry in ClinVar:

ClinVar aggregate classification (germline): Uncertain significance (1 of 4 stars; one submission).

Conditions:
Brugada syndrome. Also called: Sudden Unexplained Death Syndrome; Sudden Unexplained Nocturnal Death Syndrome (SUNDS); Sudden unexpected nocturnal death syndrome; Sudden unexplained nocturnal death syndrome. Identifiers: Orphanet 130, MedGen C1142166, MONDO:0015263.

Submission:

Labcorp Genetics (formerly Invitae), Labcorp
Classification: Uncertain significance for Brugada syndrome. Last evaluated: 2022-03-23. Review status: criteria provided, single submitter. Criteria: Invitae Variant Classification Sherloc (09022015). Collection method: clinical testing. Allele origin: germline.
Comment: Algorithms developed to predict the effect of missense changes on protein structure and function are either unavailable or do not agree on the potential impact of this missense change (SIFT: "Tolerated"; PolyPhen-2: "Possibly Damaging"; Align-GVGD: "Class C0"). In summary, the available evidence is currently insufficient to determine the role of this variant in disease. Therefore, it has been classified as a Variant of Uncertain Significance. ClinVar contains an entry for this variant (Variation ID: 1005695). This variant has not been reported in the literature in individuals affected with SCN10A-related conditions. This variant is not present in population databases (gnomAD no frequency). This sequence change replaces serine, which is neutral and polar, with phenylalanine, which is neutral and non-polar, at codon 1820 of the SCN10A protein (p.Ser1820Phe).

NM_006514.4(SCN10A):c.5459C>T (p.Ser1820Phe)

Gene: SCN10A (sodium voltage-gated channel alpha subunit 10; minus strand). Cytogenetic location: 3p22.2.
Variant type: single nucleotide variant.
Coding change: c.5459C>T on transcript NM_006514.4 (MANE Select); coding-DNA position 5459, C replaced by T.
Protein change: p.Ser1820Phe; replaces serine 1820 with phenylalanine.
Molecular consequence: missense variant.
Genome position (GRCh38, 1-based): chr3:38,697,761, G>A on the plus strand (C>T on the coding strand, the complement: SCN10A is on the minus strand). VCF-style: chr3-38697761-G-A. GRCh37 (hg19) VCF-style: chr3-38739252-G-A.
Other names: c.5456C>T, p.Ser1819Phe (NM_001293306.2); c.5165C>T, p.Ser1722Phe (NM_001293307.2); short protein forms S1722F, S1819F, S1820F.
Identifiers: ClinVar variation 1005695 (VCV001005695.5), dbSNP rs2063107708, ClinGen allele CA352153350.